The following is an entry in ClinVar:

ClinVar aggregate classification (germline): Uncertain significance. Review status: criteria provided, single submitter (1 of 4 stars). 2 submissions from 2 submitters: Uncertain significance (1). 1 of the submissions does not count toward it. Last evaluated 2025-01-12.

Conditions:
Cardiomyopathy (CMYO). Also called: Cardiomyopathies. Identifiers: Orphanet 167848, MedGen C0878544, MONDO:0004994, HP:0001638. Inheritance: Various modes of inheritance.
Dystrophin deficiency.
Duchenne muscular dystrophy (DMD). Also called: MUSCULAR DYSTROPHY, PSEUDOHYPERTROPHIC PROGRESSIVE, DUCHENNE TYPE; Duchenne Muscular Dystrophy (DMD). Identifiers: Orphanet 98896, MedGen C0013264, MONDO:0010679, OMIM 310200.
Becker muscular dystrophy (BMD). Also called: Becker Muscular Dystrophy (BMD); MUSCULAR DYSTROPHY, PSEUDOHYPERTROPHIC PROGRESSIVE, BECKER TYPE. Identifiers: Orphanet 98895, MedGen C0917713, MONDO:0010311, OMIM 300376.

gnomAD v4.1: 3 of 1,211,558 alleles (0.00025%); highest among the groups gnomAD compares: Admixed American, 0.0065%; no homozygotes.

Submissions (2):

Labcorp Genetics (formerly Invitae), Labcorp
Classification: Uncertain significance for Duchenne muscular dystrophy. Last evaluated: 2025-01-12. Review status: criteria provided, single submitter. Criteria: Invitae Variant Classification Sherloc (09022015). Collection method: clinical testing. Allele origin: germline.
Comment: This sequence change replaces valine, which is neutral and non-polar, with isoleucine, which is neutral and non-polar, at codon 921 of the DMD protein (p.Val921Ile). This variant is not present in population databases (gnomAD no frequency). This variant has not been reported in the literature in individuals affected with DMD-related conditions. ClinVar contains an entry for this variant (Variation ID: 1024495). Invitae Evidence Modeling of protein sequence and biophysical properties (such as structural, functional, and spatial information, amino acid conservation, physicochemical variation, residue mobility, and thermodynamic stability) indicates that this missense variant is not expected to disrupt DMD protein function with a negative predictive value of 95%. In summary, the available evidence is currently insufficient to determine the role of this variant in disease. Therefore, it has been classified as a Variant of Uncertain Significance.

Natera, Inc.
Classification: Uncertain significance for Becker muscular dystrophy; Cardiomyopathy; Duchenne muscular dystrophy; Dystrophin deficiency. Last evaluated: 2018-06-26. Review status: no assertion criteria provided. Collection method: clinical testing. Allele origin: germline. Not counted in ClinVar's aggregate classification.

NM_004006.3(DMD):c.2761G>A (p.Val921Ile)

Gene: DMD (dystrophin; minus strand). Cytogenetic location: Xp21.1.
Variant type: single nucleotide variant.
Coding change: c.2761G>A on transcript NM_004006.3 (MANE Select); coding-DNA position 2761, G replaced by A.
Protein change: p.Val921Ile; replaces valine 921 with isoleucine.
Molecular consequence: missense variant.
Genome position (GRCh38, 1-based): chrX:32,484,961, C>T on the plus strand (G>A on the coding strand, the complement: DMD is on the minus strand). VCF-style: chrX-32484961-C-T. GRCh37 (hg19) VCF-style: chrX-32503078-C-T.
Other names: c.2737G>A, p.Val913Ile (NM_000109.4); c.2749G>A, p.Val917Ile (NM_004009.3); c.2392G>A, p.Val798Ile (NM_004010.3); short protein forms V798I, V913I, V917I, V921I.
Identifiers: ClinVar variation 1024495 (VCV001024495.9), dbSNP rs746919167, ClinGen allele CA412670723.